The following is an entry in ClinVar:

ClinVar aggregate classification (germline): Uncertain significance. Review status: criteria provided, multiple submitters, no conflicts (2 of 4 stars). 5 submissions from 5 submitters: Uncertain significance (4). 1 of the submissions does not count toward it. Last evaluated 2025-12-09.

Conditions:
Hereditary cancer-predisposing syndrome. Also called: Tumor predisposition; Hereditary Cancer Syndrome; Neoplastic Syndromes, Hereditary; Hereditary neoplastic syndrome. Identifiers: Orphanet 140162, MedGen C0027672, MeSH D009386, MONDO:0015356.
Hereditary breast ovarian cancer syndrome. Also called: Hereditary breast and ovarian cancer; Hereditary breast and/or ovarian cancer syndrome; BRCA1- and BRCA2-Associated Hereditary Breast and Ovarian Cancer; Hereditary breast and ovarian cancer syndrome; Hereditary breast and ovarian cancer syndrome (HBOC); Breast and ovarian cancer. Identifiers: Orphanet 145, MedGen C0677776, MeSH D061325, MONDO:0003582. Disease mechanism: loss of function.
Breast-ovarian cancer, familial, susceptibility to, 2 (BROVCA2). Also called: BRCA2 Hereditary Breast and Ovarian Cancer. Identifiers: Orphanet 145, MedGen C2675520, MONDO:0012933, OMIM 612555. Disease mechanism: loss of function.
Familial cancer of breast. Also called: BREAST CANCER, FAMILIAL; Hereditary breast cancer; hereditary breast carcinoma. Identifiers: Orphanet 227535, MedGen C0346153, MONDO:0016419, OMIM 114480. Disease mechanism: loss of function.

Submissions (5):

Labcorp Genetics (formerly Invitae), Labcorp
Classification: Uncertain significance for Hereditary breast ovarian cancer syndrome. Last evaluated: 2025-12-09. Review status: criteria provided, single submitter. Criteria: Invitae Variant Classification Sherloc (09022015). Collection method: clinical testing. Allele origin: germline.
Comment: This variant, c.9513_9515del, results in the deletion of 1 amino acid(s) of the BRCA2 protein (p.Leu3172del), but otherwise preserves the integrity of the reading frame. This variant is not present in population databases (gnomAD no frequency). This variant has not been reported in the literature in individuals affected with BRCA2-related conditions. ClinVar contains an entry for this variant (Variation ID: 126214). In summary, the available evidence is currently insufficient to determine the role of this variant in disease. Therefore, it has been classified as a Variant of Uncertain Significance.

Color Diagnostics, LLC DBA Color Health
Classification: Uncertain significance for Hereditary cancer-predisposing syndrome. Last evaluated: 2024-09-10. Review status: criteria provided, single submitter. Criteria: ACMG Guidelines, 2015. Collection method: clinical testing. Allele origin: germline.
Comment: This variant causes the in-frame deletion of one amino acid residue, p.Leu3172, in the BRCA2 protein. To our knowledge, functional studies have not been reported for this variant. A multifactorial analysis has reported likelihood ratios for pathogenicity based on co-occurrence with a pathogenic variant and family history of 1.049836689 and 0.432765896, respectively (PMID: 31131967). This variant has not been identified in the general population by the Genome Aggregation Database (gnomAD). The available evidence is insufficient to determine the role of this variant in disease conclusively. Therefore, this variant is classified as a Variant of Uncertain Significance.

Baylor Genetics
Classification: Uncertain significance for Familial cancer of breast. Last evaluated: 2023-07-07. Review status: criteria provided, single submitter. Criteria: ACMG Guidelines, 2015. Collection method: clinical testing. Allele origin: unknown.

Ambry Genetics
Classification: Uncertain significance for Hereditary cancer-predisposing syndrome. Last evaluated: 2019-06-12. Review status: criteria provided, single submitter. Criteria: Ambry Variant Classification Scheme 2023. Collection method: clinical testing. Allele origin: germline.
Comment: The c.9513_9515delACT variant (also known as p.L3172del) is located in coding exon 25 of the BRCA2 gene. This variant results from an in-frame ACT deletion at nucleotide positions 9513 to 9515. This results in the in-frame deletion of a leucine at codon 3172. This amino acid position is poorly conserved in available vertebrate species. Since supporting evidence is limited at this time, the clinical significance of this alteration remains unclear.

Breast Cancer Information Core (BIC) (BRCA2)
Classification: Uncertain significance for Breast-ovarian cancer, familial 2. Last evaluated: 2003-12-23. Review status: no assertion criteria provided. Collection method: clinical testing. Allele origin: germline. Affected: yes. Observed: 1 variant allele. Not counted in ClinVar's aggregate classification.

Literature cited by the submitters: PubMed 31131967 (cited by Color Diagnostics, LLC DBA Color Health).

NM_000059.4(BRCA2):c.9513_9515del (p.Leu3172del)

Gene: BRCA2 (BRCA2 DNA repair associated; plus strand). Cytogenetic location: 13q13.1.
Variant type: Deletion.
Coding change: c.9513_9515del on transcript NM_000059.4 (MANE Select); coding-DNA positions 9513 to 9515, 3 bases deleted (ACT; older notation c.9513_9515delACT).
Protein change: p.Leu3172del; deletes leucine 3172.
Molecular consequence: inframe deletion.
Genome position (GRCh38, 1-based): chr13:32,396,909-32,396,911, ACT deleted; deleting any 3 consecutive bases within chr13:32,396,908-32,396,911 gives the same sequence; the c. name uses the placement nearest the transcript's 3' end. VCF-style (leftmost placement, unchanged base first): chr13-32396907-ATAC-A. GRCh37 (hg19) VCF-style: chr13-32971044-ATAC-A.
Other names: L3171del; c.9513_9515delACT (NM_000059.3); short protein forms L3172del.
Identifiers: ClinVar variation 126214 (VCV000126214.14), dbSNP rs80359768, ClinGen allele CA026195.
Genomic context (GRCh38, chr13:32,396,907, plus strand): 5'-AAATATGTGGGTTTGCAATTTATAAAGCAGCTTTTCCACTTATTTTCTTAGAATATTGAC[ATAC>A]TTTGCAATGAAGCAGAAAACAAGCTTATGCATATACTGCATGCAAATGATCCCAAGTGGT-3'